The following is an entry in ClinVar:

NM_152783.5(D2HGDH):c.-92-4C>G

Genes: D2HGDH (D-2-hydroxyglutarate dehydrogenase; plus strand), LOC129936031 (ATAC-STARR-seq lymphoblastoid silent region 12558; plus strand). Cytogenetic location: 2q37.3.
Variant type: single nucleotide variant.
Coding change: c.-92-4C>G on transcript NM_152783.5 (MANE Select); 4 bases into the intron before 92 bases upstream of the start codon, C replaced by G.
Molecular consequence: intron variant.
Genome position (GRCh38, 1-based): chr2:241,735,129, C>G. VCF-style: chr2-241735129-C-G. GRCh37 (hg19) VCF-style: chr2-242674544-C-G.
Other names: c.-636-4C>G (NM_001352824.2); c.-111+434C>G (NM_001287249.2).
Identifiers: ClinVar variation 218849 (VCV000218849.5), dbSNP rs146482048, ClinGen allele CA249101.

ClinVar aggregate classification (germline): Conflicting classifications of pathogenicity. Review status: criteria provided, conflicting classifications (1 of 4 stars). 2 submissions from 2 submitters: Uncertain significance (1); Likely benign (1). Last evaluated 2018-01-13.

Conditions:
D-2-hydroxyglutaric aciduria 1 (D2HGA1). Identifiers: Orphanet 79315, MedGen C3152055, MONDO:0024554, OMIM 600721.

Allele frequency attached by ClinVar (database versions not stated): 1000 Genomes Project 0.00060; gnomAD 0.00070 and 0.00071; 1000 Genomes Project 30x 0.00078; TOPMed 0.00082.

Submissions (2):

Illumina Laboratory Services, Illumina
Classification: Likely benign for D-2-hydroxyglutaric aciduria 1. Last evaluated: 2018-01-13. Review status: criteria provided, single submitter. Criteria: ICSL Variant Classification Criteria 13 December 2019. Collection method: clinical testing. Allele origin: germline.
Comment: This variant was observed in the ICSL laboratory as part of a predisposition screen in an ostensibly healthy population. It had not been previously curated by ICSL or reported in the Human Gene Mutation Database (HGMD: prior to June 1st, 2018), and was therefore a candidate for classification through an automated scoring system. Utilizing variant allele frequency, disease prevalence and penetrance estimates, and inheritance mode, an automated score was calculated to assess if this variant is too frequent to cause the disease. Based on the score and internal cut-off values, a variant classified as likely benign is not then subjected to further curation. The score for this variant resulted in a classification of likely benign for this disease.

Genomic Diagnostic Laboratory, Division of Genomic Diagnostics, Children's Hospital of Philadelphia
Classification: Uncertain significance. Last evaluated: 2015-06-17. Review status: criteria provided, single submitter. Criteria: DGD Variant Analysis Guidelines. Collection method: clinical testing. Allele origin: unknown.